The following is an entry in ClinVar:

ClinVar aggregate classification (germline): Uncertain significance (1 of 4 stars; one submission).

Conditions:
Epilepsy, idiopathic generalized, susceptibility to, 13. Also called: EPILEPSY, JUVENILE MYOCLONIC, SUSCEPTIBILITY TO, 5. Identifiers: Orphanet 307, Orphanet 64280, MedGen C4013473, MONDO:0012627, OMIM 611136.
Idiopathic generalized epilepsy. Also called: Generalised epilepsy; EIG. Identifiers: MedGen C0270850, MONDO:0005579, OMIM 600669.
Epilepsy, childhood absence 4 (ECA4). Also called: EPILEPSY, CHILDHOOD ABSENCE, SUSCEPTIBILITY TO, 4. Identifiers: Orphanet 307, MedGen C1970160.

Allele frequency attached by ClinVar (database versions not stated): ExAC 0.00001.
gnomAD v4.1: 2 of 1,614,104 alleles (0.00012%); highest among the groups gnomAD compares: African/African-American, 0.0027%; no homozygotes.

Submission:

Labcorp Genetics (formerly Invitae), Labcorp
Classification: Uncertain significance for Epilepsy, childhood absence 4; Epilepsy, idiopathic generalized, susceptibility to, 13; Idiopathic generalized epilepsy. Last evaluated: 2025-09-30. Review status: criteria provided, single submitter. Criteria: Invitae Variant Classification Sherloc (09022015). Collection method: clinical testing. Allele origin: germline.
Comment: This sequence change replaces proline, which is neutral and non-polar, with arginine, which is basic and polar, at codon 384 of the GABRA1 protein (p.Pro384Arg). This variant is present in population databases (rs755336024, gnomAD 0.007%). This variant has not been reported in the literature in individuals affected with GABRA1-related conditions. ClinVar contains an entry for this variant (Variation ID: 2939819). Invitae Evidence Modeling of protein sequence and biophysical properties (such as structural, functional, and spatial information, amino acid conservation, physicochemical variation, residue mobility, and thermodynamic stability) indicates that this missense variant is not expected to disrupt GABRA1 protein function with a negative predictive value of 80%. In summary, the available evidence is currently insufficient to determine the role of this variant in disease. Therefore, it has been classified as a Variant of Uncertain Significance.

NM_001127644.2(GABRA1):c.1151C>G (p.Pro384Arg)

Gene: GABRA1 (gamma-aminobutyric acid type A receptor subunit alpha1; plus strand). Cytogenetic location: 5q34.
Variant type: single nucleotide variant.
Coding change: c.1151C>G on transcript NM_001127644.2 (MANE Select); coding-DNA position 1151, C replaced by G.
Protein change: p.Pro384Arg; replaces proline 384 with arginine.
Molecular consequence: missense variant.
Genome position (GRCh38, 1-based): chr5:161,897,202, C>G. VCF-style: chr5-161897202-C-G. GRCh37 (hg19) VCF-style: chr5-161324208-C-G.
Other names: c.1151C>G, p.Pro384Arg (NM_000806.5, NM_001127643.2, NM_001127645.2 and 1 more transcripts); short protein forms P384R.
Identifiers: ClinVar variation 2939819 (VCV002939819.3), dbSNP rs755336024, ClinGen allele CA3544588.